The following is an entry in ClinVar:

NM_001347721.2(DYRK1A):c.925A>G (p.Ile309Val)

Gene: DYRK1A (dual specificity tyrosine phosphorylation regulated kinase 1A; plus strand). Cytogenetic location: 21q22.13.
Variant type: single nucleotide variant.
Coding change: c.925A>G on transcript NM_001347721.2 (MANE Select); coding-DNA position 925, A replaced by G.
Protein change: p.Ile309Val; replaces isoleucine 309 with valine.
Molecular consequence: missense variant.
Genome position (GRCh38, 1-based): chr21:37,493,017, A>G. VCF-style: chr21-37493017-A-G. GRCh37 (hg19) VCF-style: chr21-38865319-A-G.
Other names: c.925A>G, p.Ile309Val (NM_001347722.2, NM_130436.2); c.838A>G, p.Ile280Val (NM_001347723.2); c.952A>G, p.Ile318Val (NM_001396.5, NM_101395.2, NM_130438.2); short protein forms I280V, I309V, I318V.
Identifiers: ClinVar variation 1312311 (VCV001312311.2), dbSNP rs2148619384, ClinGen allele CA409936359.
Genomic context (GRCh38, chr21:37,493,017, plus strand): 5'-ATCCAATGCTGACTGCAGTTTTAAGCAATTGAAGTAATACTATTTTGAAATATATTTCAG[A>G]TATACCAGTATATTCAGAGTCGCTTTTATCGGTCTCCAGAGGTGCTACTGGGAATGCCTT-3'
Protein context (NP_001334650.1, residues 299-319): FGSSCQLGQR[Ile309Val]YQYIQSRFYR

ClinVar aggregate classification (germline): Uncertain significance (1 of 4 stars; one submission).

gnomAD v4.1: 1 of 1,597,946 alleles (0.000063%); highest among the groups gnomAD compares: Non-Finnish European, 0.000086%; no homozygotes.

Submission:

GeneDx
Classification: Uncertain significance. Last evaluated: 2019-09-18. Review status: criteria provided, single submitter. Criteria: GeneDx Variant Classification Process June 2021. Collection method: clinical testing. Allele origin: germline. Affected: yes.
Comment: Not observed in large population cohorts (Lek et al., 2016); In silico analysis, which includes protein predictors and evolutionary conservation, supports that this variant does not alter protein structure/function; Has not been previously published as pathogenic or benign to our knowledge